The following is an entry in ClinVar:

NC_012920.1(MT-CYB):m.15465T>C

Gene: MT-CYB (mitochondrially encoded cytochrome b; plus strand).
Variant type: single nucleotide variant.
Genome position: chrM-15465-T-C.
Identifiers: ClinVar variation 693888 (VCV000693888.1), dbSNP rs1603225299, ClinGen allele CA913173945.
Genomic context (GRCh38, chrMT:15,465, plus strand): 5'-TCCACCCTTACTACACAATCAAAGACGCCCTCGGCTTACTTCTCTTCCTTCTCTCCTTAA[T>C]GACATTAACACTATTCTCACCAGACCTCCTAGGCGACCCAGACAATTATACCCTAGCCAA-3'

ClinVar aggregate classification (germline): Uncertain significance (1 of 4 stars; one submission).

Conditions:
Leigh syndrome (NULS). Also called: Leigh's necrotizing encephalopathy; Leigh's disease; Leigh's syndrome; LEIGH SYNDROME, NUCLEAR; Leigh Syndrome (mtDNA deletion); Leigh Disease. Identifiers: Orphanet 506, MedGen C2931891, MONDO:0009723, OMIM 256000.

Submission:

Wong Mito Lab, Molecular and Human Genetics, Baylor College of Medicine
Classification: Uncertain significance for Leigh syndrome. Last evaluated: 2019-10-17. Review status: criteria provided, single submitter. Criteria: Modified ACMG Guidelines (Unpublished). Collection method: clinical testing. Allele origin: germline.
Comment: The NC_012920.1:m.15465T>C (YP_003024038.1:p.Met240Thr) variant in MTCYB gene is interpretated to be a Uncertain Significance variant based on the modified ACMG guidelines (unpublished). This variant meets the following evidence codes: PP4